The following is an entry in ClinVar:

NM_182914.3(SYNE2):c.2596C>A (p.Gln866Lys)

Gene: SYNE2 (spectrin repeat containing nuclear envelope protein 2; plus strand). Cytogenetic location: 14q23.2.
Variant type: single nucleotide variant.
Coding change: c.2596C>A on transcript NM_182914.3 (MANE Select); coding-DNA position 2596, C replaced by A.
Protein change: p.Gln866Lys; replaces glutamine 866 with lysine.
Molecular consequence: missense variant.
Genome position (GRCh38, 1-based): chr14:63,991,065, C>A. VCF-style: chr14-63991065-C-A. GRCh37 (hg19) VCF-style: chr14-64457783-C-A.
Other names: c.2596C>A, p.Gln866Lys (NM_015180.6); short protein forms Q866K.
Identifiers: ClinVar variation 2436826 (VCV002436826.6), dbSNP rs2550923589, ClinGen allele CA389977228.

ClinVar aggregate classification (germline): Uncertain significance. Review status: criteria provided, multiple submitters, no conflicts (2 of 4 stars). 2 submissions from 2 submitters: Uncertain significance (2). Last evaluated 2022-12-16.

Conditions:
Emery-Dreifuss muscular dystrophy 5, autosomal dominant (EDMD5). Also called: EMERY-DREIFUSS MUSCULAR DYSTROPHY 5. Identifiers: Orphanet 261, MedGen C2751805, MONDO:0013072, OMIM 612999.

Allele frequency attached by ClinVar (database versions not stated): gnomAD exomes 0.00001.
gnomAD v4.1: 3 of 1,614,074 alleles (0.00019%); highest among the groups gnomAD compares: Non-Finnish European, 0.00025%; no homozygotes.

Submissions (2):

Labcorp Genetics (formerly Invitae), Labcorp
Classification: Uncertain significance for Emery-Dreifuss muscular dystrophy 5, autosomal dominant. Last evaluated: 2022-12-16. Review status: criteria provided, single submitter. Criteria: Invitae Variant Classification Sherloc (09022015). Collection method: clinical testing. Allele origin: germline.
Comment: In summary, the available evidence is currently insufficient to determine the role of this variant in disease. Therefore, it has been classified as a Variant of Uncertain Significance. Algorithms developed to predict the effect of missense changes on protein structure and function are either unavailable or do not agree on the potential impact of this missense change (SIFT: "Tolerated"; PolyPhen-2: "Possibly Damaging"; Align-GVGD: "Class C0"). This variant has not been reported in the literature in individuals affected with SYNE2-related conditions. This variant is not present in population databases (gnomAD no frequency). This sequence change replaces glutamine, which is neutral and polar, with lysine, which is basic and polar, at codon 866 of the SYNE2 protein (p.Gln866Lys).

Revvity Omics, Revvity
Classification: Uncertain significance for Emery-Dreifuss muscular dystrophy 5, autosomal dominant. Last evaluated: 2019-08-19. Review status: criteria provided, single submitter. Criteria: ACMG Guidelines, 2015. Collection method: clinical testing. Allele origin: germline.